The following is an entry in ClinVar:

NM_206933.4(USH2A):c.8167C>T (p.Arg2723Ter)

Gene: USH2A (usherin; minus strand). Cytogenetic location: 1q41.
Variant type: single nucleotide variant.
Coding change: c.8167C>T on transcript NM_206933.4 (MANE Select); coding-DNA position 8167, C replaced by T.
Protein change: p.Arg2723Ter; replaces arginine 2723 with a stop codon.
Molecular consequence: nonsense.
Genome position (GRCh38, 1-based): chr1:215,888,482, G>A on the plus strand (C>T on the coding strand, the complement: USH2A is on the minus strand). VCF-style: chr1-215888482-G-A. GRCh37 (hg19) VCF-style: chr1-216061824-G-A.
Other names: short protein forms R2723*.
Identifiers: ClinVar variation 419282 (VCV000419282.22), dbSNP rs200712760, ClinGen allele CA1394674.

ClinVar aggregate classification (germline): Pathogenic. Review status: criteria provided, multiple submitters, no conflicts (2 of 4 stars). 9 submissions from 8 submitters: Pathogenic (7). 2 of the submissions do not count toward it. Last evaluated 2025-12-04.

Conditions:
Retinal dystrophy. Also called: Inherited retinal dystrophy. Identifiers: Orphanet 71862, MedGen C0854723, MeSH D058499, MONDO:0019118, HP:0000556.
Usher syndrome type 2A. Also called: RETINAL DISEASE IN USHER SYNDROME TYPE IIA, MODIFIER OF; USHER SYNDROME, TYPE IIA. Identifiers: Orphanet 231178, Orphanet 886, MedGen C1848634, MONDO:0010169, OMIM 276901.
Retinitis pigmentosa 39 (RP39). Identifiers: Orphanet 791, MedGen C3151138, MONDO:0013436, OMIM 613809.

Allele frequency attached by ClinVar (database versions not stated): gnomAD exomes below 0.00001; ExAC 0.00001; gnomAD 0.00001; TOPMed 0.00001; 1000 Genomes Project 30x 0.00016; 1000 Genomes Project 0.00020.
gnomAD v4.1: 3 of 1,613,984 alleles (0.00019%); highest among the groups gnomAD compares: African/African-American, 0.0027%; no homozygotes.

Submissions (9):

Natera, Inc.
Classification: Pathogenic for Usher syndrome type 2A. Last evaluated: 2025-12-04. Review status: criteria provided, single submitter. Criteria: Natera Variant Classification Schema (03/2026). Collection method: clinical testing. Allele origin: germline.
Comment: The c.8167C>T variant in USH2A is a nonsense variant predicted to introduce a stop codon at amino acid 2723. This variant is expected to result in nonsense mediated decay, truncation, or a dysfunctional protein product. This variant is rare in the general population with a frequency below the threshold expected for the associated phenotype(s). This variant has been observed in one or more individuals affected with the associated recessive disease, as either homozygous or compound heterozygous with a second variant (PMID: 20507924, 19683999). Given the available evidence, this variant is classified as Pathogenic.

Baylor Genetics
Classification: Pathogenic for Retinitis pigmentosa 39. Last evaluated: 2024-03-20. Review status: criteria provided, single submitter. Criteria: ACMG Guidelines, 2015. Collection method: clinical testing. Allele origin: unknown.

Labcorp Genetics (formerly Invitae), Labcorp
Classification: Pathogenic. Last evaluated: 2023-12-21. Review status: criteria provided, single submitter. Criteria: Invitae Variant Classification Sherloc (09022015). Collection method: clinical testing. Allele origin: germline.
Comment: This sequence change creates a premature translational stop signal (p.Arg2723*) in the USH2A gene. It is expected to result in an absent or disrupted protein product. Loss-of-function variants in USH2A are known to be pathogenic (PMID: 10729113, 10909849, 20507924, 25649381). This variant is present in population databases (rs200712760, gnomAD 0.007%). This premature translational stop signal has been observed in individuals with Usher syndrome, type 2 (PMID: 19683999, 28653555). ClinVar contains an entry for this variant (Variation ID: 419282). For these reasons, this variant has been classified as Pathogenic.

Genome-Nilou Lab
Classification: Pathogenic for Usher syndrome type 2A. Last evaluated: 2023-11-04. Review status: criteria provided, single submitter. Criteria: ACMG Guidelines, 2015. Collection method: clinical testing. Allele origin: germline. Affected: no.

GeneDx
Classification: Pathogenic. Last evaluated: 2022-02-10. Review status: criteria provided, single submitter. Criteria: GeneDx Variant Classification Process June 2021. Collection method: clinical testing. Allele origin: germline. Affected: yes.
Comment: Observed multiple times with a pathogenic variant in unrelated patients with Usher syndrome type II in published literature, but it is not known whether the variants occurred on the same (in cis) or on different (in trans) chromosomes in some cases (Wang et al., 2018; Vache et al., 2010; Jaijo et al., 2010); Nonsense variant predicted to result in protein truncation or nonsense mediated decay in a gene for which loss-of-function is a known mechanism of disease; Not observed at significant frequency in large population cohorts (gnomAD); This variant is associated with the following publications: (PMID: 25525159, 28653555, 20507924, 18641288, 31674169, 20513143, 31589614, 33090715, 19683999, 30029497, 27535533)

Institute of Human Genetics, Univ. Regensburg, Univ. Regensburg
Classification: Pathogenic for Retinal dystrophy. Last evaluated: 2021-01-01. Review status: criteria provided, single submitter. Criteria: ACMG Guidelines, 2015. Collection method: clinical testing. Allele origin: germline. Affected: yes.

Juno Genomics, Hangzhou Juno Genomics, Inc
Classification: Pathogenic for Usher syndrome type 2A; Retinitis pigmentosa 39. Review status: criteria provided, single submitter. Criteria: ACMG Guidelines, 2015. Collection method: clinical testing. Allele origin: germline.
Comment: Absent from controls (or at extremely low frequency if recessive) in Genome Aggregation Database.;Null variant in a gene where loss of function (LOF) is a known mechanism of disease.;For recessive disorders, detected in trans with a pathogenic variant.

Counsyl
Classification: Pathogenic for Usher syndrome type 2A. Last evaluated: 2017-10-25. Review status: no assertion criteria provided. Collection method: clinical testing. Allele origin: unknown. Not counted in ClinVar's aggregate classification.

Counsyl
Classification: Pathogenic for Retinitis pigmentosa 39. Last evaluated: 2017-10-25. Review status: no assertion criteria provided. Collection method: clinical testing. Allele origin: unknown. Not counted in ClinVar's aggregate classification.

Literature cited by the submitters: PubMed 20507924 (cited by Natera, Inc. and Labcorp Genetics (formerly Invitae), Labcorp); PubMed 19683999 (cited by 4 submitters); PubMed 10729113 (cited by Labcorp Genetics (formerly Invitae), Labcorp); PubMed 10909849 (cited by Labcorp Genetics (formerly Invitae), Labcorp); PubMed 25649381 (cited by Labcorp Genetics (formerly Invitae), Labcorp); PubMed 28653555 (cited by Labcorp Genetics (formerly Invitae), Labcorp and Institute of Human Genetics, Univ. Regensburg, Univ. Regensburg); PubMed 25525159 (cited by Institute of Human Genetics, Univ. Regensburg, Univ. Regensburg); PubMed 30029497 (cited by Institute of Human Genetics, Univ. Regensburg, Univ. Regensburg); PubMed 31589614 (cited by Institute of Human Genetics, Univ. Regensburg, Univ. Regensburg); PubMed 31345219 (cited by Institute of Human Genetics, Univ. Regensburg, Univ. Regensburg); PubMed 31674169 (cited by Institute of Human Genetics, Univ. Regensburg, Univ. Regensburg); PubMed 31964843 (cited by Institute of Human Genetics, Univ. Regensburg, Univ. Regensburg); PubMed 33090715 (cited by Institute of Human Genetics, Univ. Regensburg, Univ. Regensburg); PubMed 34948090 (cited by Institute of Human Genetics, Univ. Regensburg, Univ. Regensburg); PubMed 35062939 (cited by Institute of Human Genetics, Univ. Regensburg, Univ. Regensburg); PubMed 36460718 (cited by Institute of Human Genetics, Univ. Regensburg, Univ. Regensburg); PubMed 36785559 (cited by Institute of Human Genetics, Univ. Regensburg, Univ. Regensburg).